The following is an entry in ClinVar:

NM_001401501.2(MUC16):c.5986G>A (p.Asp1996Asn)

Gene: MUC16 (mucin 16, cell surface associated; minus strand). Cytogenetic location: 19p13.2.
Variant type: single nucleotide variant.
Coding change: c.5986G>A on transcript NM_001401501.2 (MANE Select); coding-DNA position 5986, G replaced by A.
Protein change: p.Asp1996Asn; replaces aspartic acid 1996 with asparagine.
Molecular consequence: missense variant.
Genome position (GRCh38, 1-based): chr19:8,975,273, C>T on the plus strand (G>A on the coding strand, the complement: MUC16 is on the minus strand). VCF-style: chr19-8975273-C-T. GRCh37 (hg19) VCF-style: chr19-9085949-C-T.
Other names: c.6412G>A, p.Asp2138Asn (NM_001414686.1); c.5866G>A, p.Asp1956Asn (NM_001414687.1, NM_024690.2); short protein forms D1956N, D1996N, D2138N.
Identifiers: ClinVar variation 3033186 (VCV003033186.2), dbSNP rs111232043, ClinGen allele CA9172539.
Genomic context (GRCh38, chr19:8,975,273, plus strand): 5'-TGGTCCATACAATTGTTGGTGGGGTGATGGGAGAATGTGTCATGGGTGCTGAGTTGATGT[C>T]TGGTCCTGAGGTTATGCCTGTAGAAATGACTTCTTCCACTGGAATGGATGAAAAAGGCAA-3'
Protein context (NP_001388430.1, residues 1986-2006): VISTGITSGP[Asp1996Asn]INSAPMTHSP

ClinVar aggregate classification (germline): Benign (0 of 4 stars; one submission).

Conditions:
MUC16-related disorder. Also called: MUC16-related condition.

Allele frequency attached by ClinVar (database versions not stated): gnomAD exomes 0.00047; ExAC 0.00112; 1000 Genomes Project 0.00419; gnomAD 0.00424; ESP Exome Variant Server 0.00443; 1000 Genomes Project 30x 0.00453; TOPMed 0.00466.

Submission:

PreventionGenetics, part of Exact Sciences
Classification: Benign for MUC16-related condition. Last evaluated: 2019-10-28. Review status: no assertion criteria provided. Collection method: clinical testing. Allele origin: germline.
Comment: This variant is classified as benign based on ACMG/AMP sequence variant interpretation guidelines (Richards et al. 2015 PMID: 25741868, with internal and published modifications).